The following is an entry in ClinVar:

ClinVar aggregate classification (germline): Pathogenic (1 of 4 stars; one submission).

Conditions:
Townes-Brocks syndrome 1 (TBS1). Also called: SALL1-Related Townes-Brocks Syndrome; DEAFNESS, SENSORINEURAL, WITH IMPERFORATE ANUS AND THUMB ANOMALIES; REAR SYNDROME; RENAL-EAR-ANAL-RADIAL SYNDROME. Identifiers: Orphanet 857, MedGen C4551481, MONDO:0054581, OMIM 107480.

Submission:

Centre de Biologie Pathologie Génétique, Centre Hospitalier Universitaire de Lille
Classification: Pathogenic for Townes-Brocks syndrome 1. Last evaluated: 2025-02-27. Review status: criteria provided, single submitter. Criteria: ACMG Guidelines, 2015. Collection method: clinical testing. Allele origin: unknown. Inheritance: Autosomal dominant inheritance. Affected: yes.
Comment: PVS1 + PM2 + PP4

NM_002968.3(SALL1):c.2285del (p.Leu762fs)

Gene: SALL1 (spalt like transcription factor 1; minus strand). Cytogenetic location: 16q12.1.
Variant type: Deletion.
Coding change: c.2285del on transcript NM_002968.3 (MANE Select); coding-DNA position 2285, one base deleted (T; older notation c.2285delT).
Protein change: p.Leu762fs; shifts the reading frame from leucine 762.
Molecular consequence: frameshift variant.
Genome position (GRCh38, 1-based): chr16:51,139,937, A deleted on the plus strand (T on the coding strand, the reverse complement: SALL1 is on the minus strand). VCF-style (leftmost placement, unchanged base first): chr16-51139936-GA-G. GRCh37 (hg19) VCF-style: chr16-51173847-GA-G.
Other names: c.1994del, p.Leu665fs (NM_001127892.2); short protein forms L665fs, L762fs.
Identifiers: ClinVar variation 3765533 (VCV003765533.1).